The following is an entry in ClinVar:

NM_024105.4(ALG12):c.718G>C (p.Gly240Arg)

Gene: ALG12 (ALG12 alpha-1,6-mannosyltransferase; minus strand). Cytogenetic location: 22q13.33.
Variant type: single nucleotide variant.
Coding change: c.718G>C on transcript NM_024105.4 (MANE Select); coding-DNA position 718, G replaced by C.
Protein change: p.Gly240Arg; replaces glycine 240 with arginine.
Molecular consequence: missense variant.
Genome position (GRCh38, 1-based): chr22:49,909,294, C>G on the plus strand (G>C on the coding strand, the complement: ALG12 is on the minus strand). VCF-style: chr22-49909294-C-G. GRCh37 (hg19) VCF-style: chr22-50302942-C-G.
Other names: short protein forms G240R.
Identifiers: ClinVar variation 1378818 (VCV001378818.6), dbSNP rs2146606588, ClinGen allele CA412074606.

ClinVar aggregate classification (germline): Uncertain significance (1 of 4 stars; one submission).

Conditions:
ALG12-congenital disorder of glycosylation (CDG1G). Also called: CDG Ig; ALG12-CDG; Congenital disorder of glycosylation, type Ig. Identifiers: Orphanet 79324, MedGen C2931001, MONDO:0011783, OMIM 607143.

Allele frequency attached by ClinVar (database versions not stated): gnomAD exomes below 0.00001.
gnomAD v4.1: 1 of 1,614,248 alleles (0.000062%); highest among the groups gnomAD compares: Non-Finnish European, 0.000085%; no homozygotes.

Submission:

Labcorp Genetics (formerly Invitae), Labcorp
Classification: Uncertain significance for ALG12-congenital disorder of glycosylation. Last evaluated: 2021-08-31. Review status: criteria provided, single submitter. Criteria: Invitae Variant Classification Sherloc (09022015). Collection method: clinical testing. Allele origin: germline.
Comment: Algorithms developed to predict the effect of missense changes on protein structure and function are either unavailable or do not agree on the potential impact of this missense change (SIFT: "Tolerated"; PolyPhen-2: "Probably Damaging"; Align-GVGD: "Class C0"). In summary, the available evidence is currently insufficient to determine the role of this variant in disease. Therefore, it has been classified as a Variant of Uncertain Significance. This variant has not been reported in the literature in individuals affected with ALG12-related conditions. This variant is not present in population databases (ExAC no frequency). This sequence change replaces glycine with arginine at codon 240 of the ALG12 protein (p.Gly240Arg). The glycine residue is highly conserved and there is a moderate physicochemical difference between glycine and arginine.